The following is an entry in ClinVar:

ClinVar aggregate classification (germline): Uncertain significance. Review status: criteria provided, multiple submitters, no conflicts (2 of 4 stars). 2 submissions from 2 submitters: Uncertain significance (2). Last evaluated 2025-01-31.

Conditions:
Inborn genetic diseases. Identifiers: MedGen C0950123, MeSH D030342.

Allele frequency attached by ClinVar (database versions not stated): gnomAD exomes below 0.00001 and 0.00001; gnomAD 0.00001; TOPMed 0.00001.

Submissions (2):

Ambry Genetics
Classification: Uncertain significance for Inborn genetic diseases. Last evaluated: 2025-01-31. Review status: criteria provided, single submitter. Criteria: Ambry Variant Classification Scheme 2023. Collection method: clinical testing. Allele origin: germline.

Labcorp Genetics (formerly Invitae), Labcorp
Classification: Uncertain significance. Last evaluated: 2021-09-01. Review status: criteria provided, single submitter. Criteria: Invitae Variant Classification Sherloc (09022015). Collection method: clinical testing. Allele origin: germline.
Comment: This sequence change replaces threonine with isoleucine at codon 1181 of the CNGB1 protein (p.Thr1181Ile). The threonine residue is weakly conserved and there is a moderate physicochemical difference between threonine and isoleucine. This variant is not present in population databases (ExAC no frequency). This variant has not been reported in the literature in individuals affected with CNGB1-related conditions. Algorithms developed to predict the effect of missense changes on protein structure and function (SIFT, PolyPhen-2, Align-GVGD) all suggest that this variant is likely to be tolerated. In summary, the available evidence is currently insufficient to determine the role of this variant in disease. Therefore, it has been classified as a Variant of Uncertain Significance.

NM_001297.5(CNGB1):c.3542C>T (p.Thr1181Ile)

Gene: CNGB1 (cyclic nucleotide gated channel subunit beta 1; minus strand). Cytogenetic location: 16q21.
Variant type: single nucleotide variant.
Coding change: c.3542C>T on transcript NM_001297.5 (MANE Select); coding-DNA position 3542, C replaced by T.
Protein change: p.Thr1181Ile; replaces threonine 1181 with isoleucine.
Molecular consequence: missense variant.
Genome position (GRCh38, 1-based): chr16:57,884,378, G>A on the plus strand (C>T on the coding strand, the complement: CNGB1 is on the minus strand). VCF-style: chr16-57884378-G-A. GRCh37 (hg19) VCF-style: chr16-57918282-G-A.
Other names: c.3524C>T, p.Thr1175Ile (NM_001286130.2); short protein forms T1175I, T1181I.
Identifiers: ClinVar variation 953884 (VCV000953884.8), dbSNP rs1362191567, ClinGen allele CA396059761.